The following is an entry in ClinVar:

ClinVar aggregate classification (germline): Uncertain significance (1 of 4 stars; one submission).

Conditions:
Severe X-linked myotubular myopathy (CNMX). Also called: X-linked centronuclear myopathy; MYOTUBULAR MYOPATHY 1; Myotubular myopathy, X-linked. Identifiers: Orphanet 596, MedGen C0410203, MONDO:0010683, OMIM 310400.

Submission:

Labcorp Genetics (formerly Invitae), Labcorp
Classification: Uncertain significance for Severe X-linked myotubular myopathy. Last evaluated: 2019-10-18. Review status: criteria provided, single submitter. Criteria: Invitae Variant Classification Sherloc (09022015). Collection method: clinical testing. Allele origin: germline.
Comment: This variant results in a copy number gain of the genomic region encompassing the full coding sequence of the MTM1 gene. The boundaries of this event are unknown as they extend beyond the assayed region for this gene and therefore may encompass additional genes. As the precise location of this event is unknown, it may be in tandem or it may be located elsewhere in the genome. This variant has not been reported in the literature in individuals with MTM1-related conditions. In summary, the available evidence is currently insufficient to determine the role of this variant in disease. Therefore, it has been classified as a Variant of Uncertain Significance.

NC_000023.10:g.(?_149761067)_(150573540_?)dup

Genes: CD99L2 (CD99 molecule like 2; minus strand), GPR50 (G protein-coupled receptor 50; plus strand), GPR50-AS1 (GPR50 antisense RNA 1; minus strand), HMGB3 (high mobility group box 3; plus strand), MTM1 (myotubularin 1; plus strand) and 2 more. Cytogenetic location: Xq28.
Variant type: Duplication.
Identifiers: ClinVar variation 831242 (VCV000831242.1).